The following is an entry in ClinVar:

NM_144670.6(A2ML1):c.1532del (p.Lys511fs)

Gene: A2ML1 (alpha-2-macroglobulin like 1; plus strand). Cytogenetic location: 12p13.31.
Variant type: Deletion.
Coding change: c.1532del on transcript NM_144670.6 (MANE Select); coding-DNA position 1532, one base deleted (A; older notation c.1532delA).
Protein change: p.Lys511fs; shifts the reading frame from lysine 511.
Molecular consequence: frameshift variant.
Genome position (GRCh38, 1-based): chr12:8,845,497, A deleted; the last of 2 consecutive A bases (chr12:8,845,496-8,845,497); deleting either gives the same sequence. VCF-style (leftmost placement, unchanged base first): chr12-8845495-GA-G. GRCh37 (hg19) VCF-style: chr12-8998091-GA-G.
Other names: c.59del, p.Lys20fs (NM_001282424.3); short protein forms K20fs, K511fs.
Identifiers: ClinVar variation 3723613 (VCV003723613.2).

ClinVar aggregate classification (germline): Uncertain significance (1 of 4 stars; one submission).

Submission:

Labcorp Genetics (formerly Invitae), Labcorp
Classification: Uncertain significance. Last evaluated: 2024-10-24. Review status: criteria provided, single submitter. Criteria: Invitae Variant Classification Sherloc (09022015). Collection method: clinical testing. Allele origin: germline.
Comment: This sequence change creates a premature translational stop signal (p.Lys511Argfs*4) in the A2ML1 gene. It is expected to result in an absent or disrupted protein product. However, the current clinical and genetic evidence is not sufficient to establish whether loss-of-function variants in A2ML1 cause disease. This variant is not present in population databases (gnomAD no frequency). This variant has not been reported in the literature in individuals affected with A2ML1-related conditions. In summary, the available evidence is currently insufficient to determine the role of this variant in disease. Therefore, it has been classified as a Variant of Uncertain Significance.